The following is an entry in ClinVar:

NM_000219.6(KCNE1):c.60A>C (p.Thr20=)

Gene: KCNE1 (potassium voltage-gated channel subfamily E regulatory subunit 1; minus strand). Cytogenetic location: 21q22.12.
Variant type: single nucleotide variant.
Coding change: c.60A>C on transcript NM_000219.6 (MANE Select); coding-DNA position 60, A replaced by C.
Protein change: p.Thr20=; no amino-acid change (threonine 20 retained).
Molecular consequence: synonymous variant.
Genome position (GRCh38, 1-based): chr21:34,449,575, T>G on the plus strand (A>C on the coding strand, the complement: KCNE1 is on the minus strand). VCF-style: chr21-34449575-T-G. GRCh37 (hg19) VCF-style: chr21-35821873-T-G.
Other names: c.60A>C, p.Thr20= (NM_001127668.4, NM_001127669.4, NM_001127670.4 and 4 more transcripts).
Identifiers: ClinVar variation 3373936 (VCV003373936.2).

Conditions:
Long QT syndrome 5 (LQT5). Identifiers: Orphanet 101016, Orphanet 768, MedGen C1867904, MONDO:0013372, OMIM 613695.

Submission:

Roden Lab, Vanderbilt University Medical Center
No classification provided (evidence only). Condition: Long QT syndrome 5. Review status: no classification provided. Collection method: in vitro. Allele origin: not applicable. Functional consequence: Effect on ion channel function.
ClinVar note: "not provided" was previously submitted as the classification for the variant. However, the classification appeared to be based only on an observation of functional data so it was converted to no classification on 2025-07-30.